The following is an entry in ClinVar:

NM_000744.7(CHRNA4):c.1400G>A (p.Ser467Asn)

Gene: CHRNA4 (cholinergic receptor nicotinic alpha 4 subunit; minus strand). Cytogenetic location: 20q13.33.
Variant type: single nucleotide variant.
Coding change: c.1400G>A on transcript NM_000744.7 (MANE Select); coding-DNA position 1400, G replaced by A.
Protein change: p.Ser467Asn; replaces serine 467 with asparagine.
Molecular consequence: missense variant. On other transcripts: non-coding transcript variant (1).
Genome position (GRCh38, 1-based): chr20:63,350,011, C>T on the plus strand (G>A on the coding strand, the complement: CHRNA4 is on the minus strand). VCF-style: chr20-63350011-C-T. GRCh37 (hg19) VCF-style: chr20-61981363-C-T.
Other names: c.872G>A, p.Ser291Asn (NM_001256573.2); short protein forms S291N, S467N.
Identifiers: ClinVar variation 2958102 (VCV002958102.3), dbSNP rs1455539038, ClinGen allele CA409633714.

ClinVar aggregate classification (germline): Uncertain significance (1 of 4 stars; one submission).

Conditions:
Familial sleep-related hypermotor epilepsy. Also called: Autosomal Dominant Sleep-Related Hypermotor (Hyperkinetic) Epilepsy. Identifiers: Orphanet 98784, MedGen C3696898, MONDO:0000030.

Allele frequency attached by ClinVar (database versions not stated): gnomAD exomes below 0.00001; gnomAD 0.00001; TOPMed 0.00001.

Submission:

Labcorp Genetics (formerly Invitae), Labcorp
Classification: Uncertain significance. Last evaluated: 2025-12-09. Review status: criteria provided, single submitter. Criteria: Invitae Variant Classification Sherloc (09022015). Collection method: clinical testing. Allele origin: germline.
Comment: This sequence change replaces serine, which is neutral and polar, with asparagine, which is neutral and polar, at codon 467 of the CHRNA4 protein (p.Ser467Asn). The frequency data for this variant in the population databases is considered unreliable, as metrics indicate poor data quality at this position in the gnomAD database. This variant has not been reported in the literature in individuals affected with CHRNA4-related conditions. ClinVar contains an entry for this variant (Variation ID: 2958102). An algorithm developed to predict the effect of missense changes on protein structure and function (PolyPhen-2) suggests that this variant is likely to be disruptive. In summary, the available evidence is currently insufficient to determine the role of this variant in disease. Therefore, it has been classified as a Variant of Uncertain Significance.